The following is an entry in ClinVar:

NM_000171.4(GLRA1):c.503T>G (p.Met168Arg)

Gene: GLRA1 (glycine receptor alpha 1; minus strand). Cytogenetic location: 5q33.1.
Variant type: single nucleotide variant.
Coding change: c.503T>G on transcript NM_000171.4 (MANE Select); coding-DNA position 503, T replaced by G.
Protein change: p.Met168Arg; replaces methionine 168 with arginine.
Molecular consequence: missense variant.
Genome position (GRCh38, 1-based): chr5:151,856,357, A>C on the plus strand (T>G on the coding strand, the complement: GLRA1 is on the minus strand). VCF-style: chr5-151856357-A-C. GRCh37 (hg19) VCF-style: chr5-151235918-A-C.
Other names: c.503T>G, p.Met168Arg (NM_001146040.2); c.254T>G, p.Met85Arg (NM_001292000.2); short protein forms M168R, M85R.
Identifiers: ClinVar variation 3256695 (VCV003256695.1).

ClinVar aggregate classification (germline): Likely pathogenic (1 of 4 stars; one submission).

Conditions:
Hyperekplexia 1 (STHE). Also called: HYPEREKPLEXIA 1, AUTOSOMAL DOMINANT; HYPEREKPLEXIA 1, AUTOSOMAL RECESSIVE; EXAGGERATED STARTLE REACTION; KOK DISEASE; STARTLE DISEASE, FAMILIAL; STIFF-BABY SYNDROME. Identifiers: Orphanet 3197, MedGen C4551954, MONDO:0007868, OMIM 149400.

Submission:

MVZ Medizinische Genetik Mainz
Classification: Likely pathogenic for Hyperekplexia 1. Last evaluated: 2024-05-17. Review status: criteria provided, single submitter. Criteria: UK Practice Guidelines For Variant Classification V4 01 2020. Collection method: clinical testing. Allele origin: germline. Inheritance: Autosomal dominant inheritance. Affected: yes. Observed: 1 variant allele.
Comment: ACMG Criteria: PP3_STR,PM2_SUP,PP2